The following is an entry in ClinVar:

ClinVar aggregate classification (germline): Uncertain significance (1 of 4 stars; one submission).

Submission:

GeneDx
Classification: Uncertain significance. Last evaluated: 2024-10-13. Review status: criteria provided, single submitter. Criteria: GeneDx Variant Classification Process June 2021. Collection method: clinical testing. Allele origin: germline. Affected: yes.
Comment: Not observed at significant frequency in large population cohorts (gnomAD); In silico analysis indicates that this missense variant does not alter protein structure/function; Has not been previously published as pathogenic or benign to our knowledge

NM_003024.3(ITSN1):c.3466G>A (p.Ala1156Thr)

Gene: ITSN1 (intersectin 1; plus strand). Cytogenetic location: 21q22.11.
Variant type: single nucleotide variant.
Coding change: c.3466G>A on transcript NM_003024.3 (MANE Select); coding-DNA position 3466, G replaced by A.
Protein change: p.Ala1156Thr; replaces alanine 1156 with threonine.
Molecular consequence: missense variant.
Genome position (GRCh38, 1-based): chr21:33,834,421, G>A. VCF-style: chr21-33834421-G-A. GRCh37 (hg19) VCF-style: chr21-35206725-G-A.
Other names: c.3466G>A, p.Ala1156Thr (NM_001001132.2); c.3253G>A, p.Ala1085Thr (NM_001331008.2); c.3451G>A, p.Ala1151Thr (NM_001331009.2, NM_001331010.2); c.3238G>A, p.Ala1080Thr (NM_001331011.2); c.3340G>A, p.Ala1114Thr (NM_001331012.2); short protein forms A1080T, A1085T, A1114T, A1151T, A1156T.
Identifiers: ClinVar variation 3777639 (VCV003777639.1).